The following is an entry in ClinVar:

NM_000535.7(PMS2):c.2013G>C (p.Thr671=)

Gene: PMS2 (PMS1 homolog 2, mismatch repair system component; minus strand). Cytogenetic location: 7p22.1.
Variant type: single nucleotide variant.
Coding change: c.2013G>C on transcript NM_000535.7 (MANE Select); coding-DNA position 2013, G replaced by C.
Protein change: p.Thr671=; no amino-acid change (threonine 671 retained).
Molecular consequence: synonymous variant. On other transcripts: non-coding transcript variant (1), intron variant (4).
Genome position (GRCh38, 1-based): chr7:5,982,985, C>G on the plus strand (G>C on the coding strand, the complement: PMS2 is on the minus strand). VCF-style: chr7-5982985-C-G. GRCh37 (hg19) VCF-style: chr7-6022616-C-G.
Other names: c.810G>C, p.Thr270= (NM_001406912.1); c.1601+3774G>C (NM_001406910.1, NM_001406908.1); c.1688+3774G>C (NM_001406903.1); c.2006+3774G>C (NM_001406872.1); c.1608G>C, p.Thr536= (NM_001018040.1, NM_001322003.2, NM_001322004.2 and 15 more transcripts); c.1857G>C, p.Thr619= (NM_001322006.2, NM_001406870.1); c.1695G>C, p.Thr565= (NM_001322007.2, NM_001322008.2, NM_001406876.1 and 1 more transcripts); c.1452G>C, p.Thr484= (NM_001322010.2, NM_001406906.1, NM_001406907.1); and 16 more.
Identifiers: ClinVar variation 2800431 (VCV002800431.4), dbSNP rs771513870, ClinGen allele CA453643578.

ClinVar aggregate classification (germline): Benign/Likely benign. Review status: criteria provided, multiple submitters, no conflicts (2 of 4 stars). 2 submissions from 2 submitters: Benign (1); Likely benign (1). Last evaluated 2025-02-03.

Conditions:
Hereditary nonpolyposis colorectal neoplasms. Identifiers: MedGen C0009405, MeSH D003123.
Lynch syndrome 4 (LYNCH4). Also called: Colorectal cancer, hereditary nonpolyposis, type 4; Hereditary non-polyposis colorectal cancer, type 4. Identifiers: Orphanet 144, MedGen C1838333, MONDO:0013699, OMIM 614337. Disease mechanism: loss of function.

gnomAD v4.1: 1 of 1,517,298 alleles (0.000066%); no homozygotes.

Submissions (2):

Myriad Genetics, Inc.
Classification: Benign for Lynch syndrome 4. Last evaluated: 2025-02-03. Review status: criteria provided, single submitter. Criteria: Myriad Autosomal Dominant, Autosomal Recessive and X-Linked Classification Criteria (2023). Collection method: clinical testing. Allele origin: unknown.
Comment: This variant is considered benign. This variant is a silent/synonymous amino acid change and it is not expected to impact splicing.

Labcorp Genetics (formerly Invitae), Labcorp
Classification: Likely benign for Hereditary nonpolyposis colorectal neoplasms. Last evaluated: 2023-10-16. Review status: criteria provided, single submitter. Criteria: Invitae Variant Classification Sherloc (09022015). Collection method: clinical testing. Allele origin: germline.